The following is an entry in ClinVar:

ClinVar aggregate classification (germline): Conflicting classifications of pathogenicity. Review status: criteria provided, conflicting classifications (1 of 4 stars). 6 submissions from 6 submitters: Uncertain significance (1); Benign (4). 1 of the submissions does not count toward it. Last evaluated 2026-04-01.

Conditions:
Autosomal recessive nonsyndromic hearing loss 77. Identifiers: Orphanet 90636, MedGen C2746083, MONDO:0013119, OMIM 613079.

Allele frequency attached by ClinVar (database versions not stated): ESP Exome Variant Server 0.00088; gnomAD 0.00101 and 0.00145; TOPMed 0.00108; 1000 Genomes Project 0.00160; 1000 Genomes Project 30x 0.00187; ExAC 0.00561.
gnomAD v4.1: 2,923 of 1,549,766 alleles (0.19%); highest among the groups gnomAD compares: South Asian, 1.1%; 32 homozygotes.

Submissions (6):

CeGaT Center for Human Genetics Tuebingen
Classification: Benign. Last evaluated: 2026-04-01. Review status: criteria provided, single submitter. Criteria: CeGaT Center For Human Genetics Tuebingen Variant Classification Criteria Version 2. Collection method: clinical testing. Allele origin: germline. Affected: yes. Observed: 5 variant alleles.
Comment: LOXHD1: BS1, BS2

Labcorp Genetics (formerly Invitae), Labcorp
Classification: Benign. Last evaluated: 2026-02-02. Review status: criteria provided, single submitter. Criteria: Invitae Variant Classification Sherloc (09022015). Collection method: clinical testing. Allele origin: germline.

GeneDx
Classification: Benign. Last evaluated: 2018-07-20. Review status: criteria provided, single submitter. Criteria: GeneDx Variant Classification Process June 2021. Collection method: clinical testing. Allele origin: germline. Affected: yes.

Illumina Laboratory Services, Illumina
Classification: Uncertain significance for Autosomal recessive nonsyndromic hearing loss 77. Last evaluated: 2018-01-13. Review status: criteria provided, single submitter. Criteria: ICSL Variant Classification Criteria 13 December 2019. Collection method: clinical testing. Allele origin: germline.

Laboratory for Molecular Medicine, Mass General Brigham Personalized Medicine
Classification: Benign. Last evaluated: 2015-06-18. Review status: criteria provided, single submitter. Criteria: LMM Criteria. Collection method: clinical testing. Allele origin: germline. Observed: 12 variant alleles.
Comment: p.Asn1971Asn in exon 38 of LOXHD1: This variant is not expected to have clinical significance because it has been identified in 1.2% (98/7914) of South Asian ch romosomes by the Exome Aggregation Consortium (ExAC. org; dbSNP rs146200756).

Natera, Inc.
Classification: Benign for Autosomal recessive deafness type 77. Last evaluated: 2019-12-10. Review status: no assertion criteria provided. Collection method: clinical testing. Allele origin: germline. Not counted in ClinVar's aggregate classification.

NM_001384474.1(LOXHD1):c.6099C>T (p.Asn2033=)

Gene: LOXHD1 (lipoxygenase homology PLAT domains 1; minus strand). Cytogenetic location: 18q21.1.
Variant type: single nucleotide variant.
Coding change: c.6099C>T on transcript NM_001384474.1 (MANE Select); coding-DNA position 6099, C replaced by T.
Protein change: p.Asn2033=; no amino-acid change (asparagine 2033 retained).
Molecular consequence: synonymous variant.
Genome position (GRCh38, 1-based): chr18:46,485,102, G>A on the plus strand (C>T on the coding strand, the complement: LOXHD1 is on the minus strand). VCF-style: chr18-46485102-G-A. GRCh37 (hg19) VCF-style: chr18-44065065-G-A.
Other names: c.2766C>T, p.Asn922= (NM_001145472.3); c.816C>T, p.Asn272= (NM_001145473.3, NM_001173129.2); c.2478C>T, p.Asn826= (NM_001308013.2); c.5913C>T, p.Asn1971= (NM_144612.7).
Identifiers: ClinVar variation 178392 (VCV000178392.46), dbSNP rs146200756, ClinGen allele CA182241.